The following is an entry in ClinVar:

NM_001114753.3(ENG):c.730C>T (p.Pro244Ser)

Gene: ENG (endoglin; minus strand). Cytogenetic location: 9q34.11.
Variant type: single nucleotide variant.
Coding change: c.730C>T on transcript NM_001114753.3 (MANE Select); coding-DNA position 730, C replaced by T.
Protein change: p.Pro244Ser; replaces proline 244 with serine.
Molecular consequence: missense variant.
Genome position (GRCh38, 1-based): chr9:127,825,317, G>A on the plus strand (C>T on the coding strand, the complement: ENG is on the minus strand). VCF-style: chr9-127825317-G-A. GRCh37 (hg19) VCF-style: chr9-130587596-G-A.
Other names: c.730C>T, p.Pro244Ser (NM_000118.4, NM_001406715.1); c.184C>T, p.Pro62Ser (NM_001278138.2); short protein forms P244S, P62S.
Identifiers: ClinVar variation 3714746 (VCV003714746.2).

ClinVar aggregate classification (germline): Uncertain significance (1 of 4 stars; one submission).

Conditions:
Hereditary hemorrhagic telangiectasia (HHT). Also called: ORW DISEASE; Osler Weber Rendu syndrome; OSLER-RENDU-WEBER DISEASE; Osler hemorrhagic telangiectasia syndrome. Identifiers: Orphanet 774, MedGen C0039445, MONDO:0019180. Disease mechanism: loss of function.

Submission:

Labcorp Genetics (formerly Invitae), Labcorp
Classification: Uncertain significance for Hereditary hemorrhagic telangiectasia. Last evaluated: 2025-06-03. Review status: criteria provided, single submitter. Criteria: Invitae Variant Classification Sherloc (09022015). Collection method: clinical testing. Allele origin: germline.
Comment: This sequence change replaces proline, which is neutral and non-polar, with serine, which is neutral and polar, at codon 244 of the ENG protein (p.Pro244Ser). This variant is not present in population databases (gnomAD no frequency). This variant has not been reported in the literature in individuals affected with ENG-related conditions. ClinVar contains an entry for this variant (Variation ID: 3714746). Invitae Evidence Modeling of protein sequence and biophysical properties (such as structural, functional, and spatial information, amino acid conservation, physicochemical variation, residue mobility, and thermodynamic stability) indicates that this missense variant is not expected to disrupt ENG protein function with a negative predictive value of 95%. In summary, the available evidence is currently insufficient to determine the role of this variant in disease. Therefore, it has been classified as a Variant of Uncertain Significance.